The following is an entry in ClinVar:

NM_001330691.3(CEP78):c.1458+10del

Gene: CEP78 (centrosomal protein 78; plus strand). Cytogenetic location: 9q21.2.
Variant type: Deletion.
Coding change: c.1458+10del on transcript NM_001330691.3 (MANE Select); 10 bases into the intron after coding-DNA position 1458, one base deleted (A; older notation c.1458+10delA).
Molecular consequence: intron variant.
Genome position (GRCh38, 1-based): chr9:78,262,994, A deleted; the last of 4 consecutive A bases (chr9:78,262,991-78,262,994); deleting any one gives the same sequence. VCF-style (leftmost placement, unchanged base first): chr9-78262990-TA-T. GRCh37 (hg19) VCF-style: chr9-80877906-TA-T.
Other names: c.1461+10del (NM_001349839.2, NM_001349840.2, NM_001098802.3 and 1 more transcripts); c.1458+10del (NM_001330693.3, NM_001349838.2, NM_001330694.2); c.1461+10delA (NM_001098802.1).
Identifiers: ClinVar variation 1164802 (VCV001164802.11), dbSNP rs1181579643, ClinGen allele CA588657935.

ClinVar aggregate classification (germline): Benign/Likely benign. Review status: criteria provided, multiple submitters, no conflicts (2 of 4 stars). 3 submissions from 3 submitters: Benign (1); Likely benign (2). Last evaluated 2025-09-04.

Conditions:
CEP78-related disorder. Also called: CEP78-related condition.

Submissions (3):

PreventionGenetics, part of Exact Sciences
Classification: Likely benign for CEP78-related condition. Last evaluated: 2025-09-04. Review status: criteria provided, single submitter. Criteria: ACMG Guidelines, 2015. Collection method: clinical testing. Allele origin: germline.
Comment: This variant is classified as likely benign based on ACMG/AMP sequence variant interpretation guidelines (Richards et al. 2015 PMID: 25741868, with internal and published modifications).

Labcorp Genetics (formerly Invitae), Labcorp
Classification: Benign. Last evaluated: 2023-01-24. Review status: criteria provided, single submitter. Criteria: Invitae Variant Classification Sherloc (09022015). Collection method: clinical testing. Allele origin: germline.

Blueprint Genetics
Classification: Likely benign. Last evaluated: 2022-06-09. Review status: criteria provided, single submitter. Criteria: ACMG Guidelines, 2015. Collection method: clinical testing. Allele origin: germline.